The following is an entry in ClinVar:

ClinVar aggregate classification (germline): Uncertain significance (1 of 4 stars; one submission).

Allele frequency attached by ClinVar (database versions not stated): gnomAD exomes below 0.00001; gnomAD 0.00001.
gnomAD v4.1: 2 of 1,613,782 alleles (0.00012%); highest among the groups gnomAD compares: Non-Finnish European, 0.00017%; no homozygotes.

Submission:

Labcorp Genetics (formerly Invitae), Labcorp
Classification: Uncertain significance. Last evaluated: 2021-06-17. Review status: criteria provided, single submitter. Criteria: Invitae Variant Classification Sherloc (09022015). Collection method: clinical testing. Allele origin: germline.
Comment: In summary, the available evidence is currently insufficient to determine the role of this variant in disease. Therefore, it has been classified as a Variant of Uncertain Significance. Algorithms developed to predict the effect of missense changes on protein structure and function are either unavailable or do not agree on the potential impact of this missense change (SIFT: "Not Available"; PolyPhen-2: "Benign"; Align-GVGD: "Not Available"). This variant has not been reported in the literature in individuals with MYO18B-related conditions. This variant is not present in population databases (ExAC no frequency). This sequence change replaces threonine with isoleucine at codon 2233 of the MYO18B protein (p.Thr2233Ile). The threonine residue is weakly conserved and there is a moderate physicochemical difference between threonine and isoleucine.

NM_032608.7(MYO18B):c.6698C>T (p.Thr2233Ile)

Gene: MYO18B (myosin XVIIIB; plus strand). Cytogenetic location: 22q12.1.
Variant type: single nucleotide variant.
Coding change: c.6698C>T on transcript NM_032608.7 (MANE Select); coding-DNA position 6698, C replaced by T.
Protein change: p.Thr2233Ile; replaces threonine 2233 with isoleucine.
Molecular consequence: missense variant.
Genome position (GRCh38, 1-based): chr22:26,026,672, C>T. VCF-style: chr22-26026672-C-T. GRCh37 (hg19) VCF-style: chr22-26422638-C-T.
Other names: c.6701C>T, p.Thr2234Ile (NM_001318245.2); short protein forms T2233I, T2234I.
Identifiers: ClinVar variation 1525231 (VCV001525231.6), dbSNP rs1467070316, ClinGen allele CA411010693.